The following is an entry in ClinVar:

ClinVar aggregate classification (germline): Uncertain significance (1 of 4 stars; one submission).

Conditions:
Intellectual disability, autosomal recessive 53 (NEDHSCA). Also called: NEURODEVELOPMENTAL DISORDER WITH OR WITHOUT HYPOTONIA, SEIZURES, AND CEREBELLAR ATROPHY; GLYCOSYLPHOSPHATIDYLINOSITOL BIOSYNTHESIS DEFECT 13; Mental retardation, autosomal recessive 53. Identifiers: Orphanet 488635, MedGen C4310794, MONDO:0014832, OMIM 616917.

Allele frequency attached by ClinVar (database versions not stated): gnomAD exomes below 0.00001; TOPMed below 0.00001; ExAC 0.00001; gnomAD 0.00001.
gnomAD v4.1: 7 of 1,613,368 alleles (0.00043%); highest among the groups gnomAD compares: Non-Finnish European, 0.00059%; no homozygotes.

Submission:

Labcorp Genetics (formerly Invitae), Labcorp
Classification: Uncertain significance for Intellectual disability, autosomal recessive 53. Last evaluated: 2019-06-17. Review status: criteria provided, single submitter. Criteria: Invitae Variant Classification Sherloc (09022015). Collection method: clinical testing. Allele origin: germline.
Comment: In summary, the available evidence is currently insufficient to determine the role of this variant in disease. Therefore, it has been classified as a Variant of Uncertain Significance. Algorithms developed to predict the effect of missense changes on protein structure and function are either unavailable or do not agree on the potential impact of this missense change (SIFT: "Tolerated"; PolyPhen-2: "Probably Damaging"; Align-GVGD: "Class C15"). This variant has not been reported in the literature in individuals with PIGG-related conditions. This variant is present in population databases (rs781917108, ExAC 0.001%). This sequence change replaces serine with phenylalanine at codon 139 of the PIGG protein (p.Ser139Phe). The serine residue is highly conserved and there is a large physicochemical difference between serine and phenylalanine.

NM_001127178.3(PIGG):c.416C>T (p.Ser139Phe)

Gene: PIGG (phosphatidylinositol glycan anchor biosynthesis class G (EMM blood group); plus strand). Cytogenetic location: 4p16.3.
Variant type: single nucleotide variant.
Coding change: c.416C>T on transcript NM_001127178.3 (MANE Select); coding-DNA position 416, C replaced by T.
Protein change: p.Ser139Phe; replaces serine 139 with phenylalanine.
Molecular consequence: missense variant. On other transcripts: 5 prime UTR variant (4), non-coding transcript variant (10), intron variant (1).
Genome position (GRCh38, 1-based): chr4:505,773, C>T. VCF-style: chr4-505773-C-T. GRCh37 (hg19) VCF-style: chr4-499562-C-T.
Other names: c.149C>T, p.Ser50Phe (NM_001289051.2, NM_001289053.2, NM_001289057.2 and 2 more transcripts); c.50C>T, p.Ser17Phe (NM_001289055.2); c.-472C>T (NM_001345988.2); c.416C>T, p.Ser139Phe (NM_001345989.2, NM_017733.5); c.-1210C>T (NM_001345990.2); c.-1072C>T (NM_001345991.2); c.-797C>T (NM_001345994.2); c.361-3056C>T (NM_001289052.2); short protein forms S17F, S50F, S139F.
Identifiers: ClinVar variation 940333 (VCV000940333.10), dbSNP rs781917108, ClinGen allele CA2793000.